The following is an entry in ClinVar:

NM_017780.4(CHD7):c.2443-2A>G

Gene: CHD7 (chromodomain helicase DNA binding protein 7; plus strand). Cytogenetic location: 8q12.2.
Variant type: single nucleotide variant.
Coding change: c.2443-2A>G on transcript NM_017780.4 (MANE Select); the canonical splice acceptor site of the intron before coding-DNA position 2443, A replaced by G.
Molecular consequence: splice acceptor variant. On other transcripts: intron variant (1).
Genome position (GRCh38, 1-based): chr8:60,808,215, A>G. VCF-style: chr8-60808215-A-G. GRCh37 (hg19) VCF-style: chr8-61720774-A-G.
Other names: c.1716+27165A>G (NM_001316690.1).
Identifiers: ClinVar variation 5042008 (VCV005042008.1).

ClinVar aggregate classification (germline): Pathogenic (1 of 4 stars; one submission).

Conditions:
CHD7-related CHARGE syndrome. Identifiers: MedGen CN380413, MONDO:1010178, OMIM 214800.

Submission:

Clinical Genetics Laboratory, University Hospital Schleswig-Holstein
Classification: Pathogenic for CHD7-related CHARGE syndrome. Last evaluated: 2025-01-22. Review status: criteria provided, single submitter. Criteria: ACMG Guidelines, 2015. Collection method: clinical testing. Allele origin: de novo. Affected: yes.
Comment: ACMG criteria applied: PM2, PVS1, PS2_Supporting